The following is an entry in ClinVar:

ClinVar aggregate classification (germline): Uncertain significance (0 of 4 stars; one submission).

Conditions:
ITSN1-related disorder. Also called: ITSN1-related condition.

gnomAD v4.1: 2 of 1,614,186 alleles (0.00012%); highest among the groups gnomAD compares: Non-Finnish European, 0.00017%; no homozygotes.

Submission:

PreventionGenetics, part of Exact Sciences
Classification: Uncertain significance for ITSN1-related condition. Last evaluated: 2024-01-11. Review status: no assertion criteria provided. Collection method: clinical testing. Allele origin: germline.
Comment: The ITSN1 c.3109G>A variant is predicted to result in the amino acid substitution p.Asp1037Asn. To our knowledge, this variant has not been reported in the literature or in a large population database, indicating this variant is rare. At this time, the clinical significance of this variant is uncertain due to the absence of conclusive functional and genetic evidence.

NM_003024.3(ITSN1):c.3109G>A (p.Asp1037Asn)

Gene: ITSN1 (intersectin 1; plus strand). Cytogenetic location: 21q22.11.
Variant type: single nucleotide variant.
Coding change: c.3109G>A on transcript NM_003024.3 (MANE Select); coding-DNA position 3109, G replaced by A.
Protein change: p.Asp1037Asn; replaces aspartic acid 1037 with asparagine.
Molecular consequence: missense variant. On other transcripts: intron variant (2).
Genome position (GRCh38, 1-based): chr21:33,823,579, G>A. VCF-style: chr21-33823579-G-A. GRCh37 (hg19) VCF-style: chr21-35195883-G-A.
Other names: c.3109G>A, p.Asp1037Asn (NM_001001132.2); c.3094G>A, p.Asp1032Asn (NM_001331009.2, NM_001331010.2); c.2983G>A, p.Asp995Asn (NM_001331012.2); c.3016+4256G>A (NM_001331008.2); c.3001+4256G>A (NM_001331011.2); short protein forms D1032N, D1037N, D995N.
Identifiers: ClinVar variation 3054788 (VCV003054788.2), dbSNP rs2518154295, ClinGen allele CA410121232.